The following is an entry in ClinVar:

NC_000006.11:g.(?_35476966)_(35480635_?)dup

Gene: TULP1 (TUB like protein 1; minus strand). Cytogenetic location: 6p21.31.
Variant type: Duplication.
Identifiers: ClinVar variation 2424671 (VCV002424671.3).

ClinVar aggregate classification (germline): Uncertain significance (1 of 4 stars; one submission).

Submission:

Labcorp Genetics (formerly Invitae), Labcorp
Classification: Uncertain significance. Last evaluated: 2022-08-23. Review status: criteria provided, single submitter. Criteria: Invitae Variant Classification Sherloc (09022015). Collection method: clinical testing. Allele origin: germline.
Comment: This variant results in a copy number gain of the genomic region encompassing exon(s) 1-8 of the TULP1 gene. This region includes the initiator codon of the gene. This copy number gain extends beyond the assayed region for this gene and therefore may encompass additional genes. As the precise location of this event is unknown, it may be in tandem or it may be located elsewhere in the genome. This variant has not been reported in the literature in individuals affected with TULP1-related conditions. Experimental studies and prediction algorithms are not available or were not evaluated, and the functional significance of this variant is currently unknown. In summary, the available evidence is currently insufficient to determine the role of this variant in disease. Therefore, it has been classified as a Variant of Uncertain Significance.